The following is an entry in ClinVar:

NM_001267550.2(TTN):c.57405A>G (p.Gln19135=)

Genes: TTN (titin; minus strand), TTN-AS1 (TTN antisense RNA 1; plus strand). Cytogenetic location: 2q31.2.
Variant type: single nucleotide variant.
Coding change: c.57405A>G on transcript NM_001267550.2 (MANE Select); coding-DNA position 57405, A replaced by G.
Protein change: p.Gln19135=; no amino-acid change (glutamine 19135 retained).
Molecular consequence: synonymous variant. On other transcripts: non-coding transcript variant (2).
Genome position (GRCh38, 1-based): chr2:178,597,677, T>C on the plus strand (A>G on the coding strand, the complement: TTN is on the minus strand). VCF-style: chr2-178597677-T-C. GRCh37 (hg19) VCF-style: chr2-179462404-T-C.
Other names: c.52482A>G, p.Gln17494= (NM_001256850.1); c.30210A>G, p.Gln10070= (NM_003319.4); c.49701A>G, p.Gln16567= (NM_133378.4); c.30585A>G, p.Gln10195= (NM_133432.3); c.30786A>G, p.Gln10262= (NM_133437.4).
Identifiers: ClinVar variation 915568 (VCV000915568.13), dbSNP rs773605848, ClinGen allele CA1993052.
Genomic context (GRCh38, chr2:178,597,677, plus strand): 5'-CCTCTGGCAGTTCTTGATGACCATGGATGAGCTAATGGCTGTGGTCTCAATGGTGGCTTC[T>C]TGAGGTAAGGTTCTTTCATTCATGTTCCAGGTGACGGTTGGAGGAGGCTTTCCAGACACA-3'
Protein context (NP_001254479.2, residues 19125-19145): TWNMNERTLP[Gln19135=]EATIETTAIS

ClinVar aggregate classification (germline): Likely benign. Review status: criteria provided, multiple submitters, no conflicts (2 of 4 stars). 8 submissions from 8 submitters: Likely benign (3). 5 of the submissions do not count toward it. Last evaluated 2026-03-27.

Conditions:
Cardiomyopathy (CMYO). Also called: Cardiomyopathies. Identifiers: Orphanet 167848, MedGen C0878544, MONDO:0004994, HP:0001638. Inheritance: Various modes of inheritance.
Cardiovascular phenotype. Identifiers: MedGen CN230736.

Allele frequency attached by ClinVar (database versions not stated): TOPMed 0.00002; gnomAD 0.00002; gnomAD exomes 0.00003; ExAC 0.00004.
gnomAD v4.1: 41 of 1,613,268 alleles (0.0025%); highest among the groups gnomAD compares: Non-Finnish European, 0.0033%; no homozygotes.

Submissions (8):

Molecular Diagnostic Laboratory for Inherited Cardiovascular Disease, Montreal Heart Institute
Classification: Likely benign. Last evaluated: 2026-03-27. Review status: criteria provided, single submitter. Criteria: ACMG Guidelines, 2015. Collection method: clinical testing. Allele origin: germline. Affected: no.
Comment: BP7

Ambry Genetics
Classification: Likely benign for Cardiovascular phenotype. Last evaluated: 2024-01-17. Review status: criteria provided, single submitter. Criteria: Ambry Variant Classification Scheme 2023. Collection method: clinical testing. Allele origin: germline.

CHEO Genetics Diagnostic Laboratory, Children's Hospital of Eastern Ontario
Classification: Likely benign for Cardiomyopathy. Last evaluated: 2017-11-24. Review status: criteria provided, single submitter. Criteria: ACMG Guidelines, 2015. Collection method: clinical testing. Allele origin: germline.

Clinical Genetics DNA and cytogenetics Diagnostics Lab, Erasmus MC, Erasmus Medical Center
Classification: Likely benign. Review status: no assertion criteria provided. Collection method: clinical testing. Allele origin: germline. Affected: yes. Study: VKGL Data-share Consensus. Not counted in ClinVar's aggregate classification.

Clinical Genetics, Academic Medical Center
Classification: Benign. Review status: no assertion criteria provided. Collection method: clinical testing. Allele origin: germline. Affected: yes. Study: VKGL Data-share Consensus. Not counted in ClinVar's aggregate classification.

Diagnostic Laboratory, Department of Genetics, University Medical Center Groningen
Classification: Likely benign. Review status: no assertion criteria provided. Collection method: clinical testing. Allele origin: germline. Affected: yes. Study: VKGL Data-share Consensus. Not counted in ClinVar's aggregate classification.

Genome Diagnostics Laboratory, University Medical Center Utrecht
Classification: Likely benign. Review status: no assertion criteria provided. Collection method: clinical testing. Allele origin: germline. Affected: yes. Study: VKGL Data-share Consensus. Not counted in ClinVar's aggregate classification.

Joint Genome Diagnostic Labs from Nijmegen and Maastricht, Radboudumc and MUMC+
Classification: Likely benign. Review status: no assertion criteria provided. Collection method: clinical testing. Allele origin: germline. Affected: yes. Study: VKGL Data-share Consensus. Not counted in ClinVar's aggregate classification.